The following is an entry in ClinVar:

ClinVar aggregate classification (germline): Uncertain significance (1 of 4 stars; one submission).

Submission:

Labcorp Genetics (formerly Invitae), Labcorp
Classification: Uncertain significance. Last evaluated: 2021-12-18. Review status: criteria provided, single submitter. Criteria: Invitae Variant Classification Sherloc (09022015). Collection method: clinical testing. Allele origin: germline.
Comment: This sequence change replaces glutamine, which is neutral and polar, with lysine, which is basic and polar, at codon 58 of the SLC24A1 protein (p.Gln58Lys). This variant is not present in population databases (gnomAD no frequency). This variant has not been reported in the literature in individuals affected with SLC24A1-related conditions. Algorithms developed to predict the effect of missense changes on protein structure and function (SIFT, PolyPhen-2, Align-GVGD) all suggest that this variant is likely to be tolerated. In summary, the available evidence is currently insufficient to determine the role of this variant in disease. Therefore, it has been classified as a Variant of Uncertain Significance.

NM_004727.3(SLC24A1):c.172C>A (p.Gln58Lys)

Gene: SLC24A1 (solute carrier family 24 member 1; plus strand). Cytogenetic location: 15q22.31.
Variant type: single nucleotide variant.
Coding change: c.172C>A on transcript NM_004727.3 (MANE Select); coding-DNA position 172, C replaced by A.
Protein change: p.Gln58Lys; replaces glutamine 58 with lysine.
Molecular consequence: missense variant.
Genome position (GRCh38, 1-based): chr15:65,624,252, C>A. VCF-style: chr15-65624252-C-A. GRCh37 (hg19) VCF-style: chr15-65916590-C-A.
Other names: c.172C>A, p.Gln58Lys (NM_001301031.1, NM_001301032.1, NM_001301033.2 and 1 more transcripts); short protein forms Q58K.
Identifiers: ClinVar variation 2040391 (VCV002040391.4), dbSNP rs1289546006, ClinGen allele CA392912563.